The following is an entry in ClinVar:

ClinVar aggregate classification (germline): Benign/Likely benign. Review status: criteria provided, multiple submitters, no conflicts (2 of 4 stars). 2 submissions from 2 submitters: Benign (1); Likely benign (1). Last evaluated 2026-09-16.

Conditions:
Colorectal cancer, hereditary nonpolyposis, type 7. Identifiers: Orphanet 144, MedGen C1858380, MONDO:0013725, OMIM 614385.

Submissions (2):

Myriad Genetics, Inc.
Classification: Benign for Colorectal cancer, hereditary nonpolyposis, type 7. Last evaluated: 2026-09-16. Review status: criteria provided, single submitter. Criteria: Myriad Autosomal Dominant, Autosomal Recessive and X-Linked Classification Criteria (2023). Collection method: clinical testing. Allele origin: unknown.
Comment: This variant is considered benign. This variant is a silent/synonymous amino acid change and it is not expected to impact splicing.

Ambry Genetics
Classification: Likely benign. Last evaluated: 2025-09-29. Review status: criteria provided, single submitter. Criteria: Ambry Variant Classification Scheme 2023. Collection method: clinical testing. Allele origin: germline.

NM_001040108.2(MLH3):c.2955T>C (p.Asp985=)

Gene: MLH3 (mutL homolog 3; minus strand). Cytogenetic location: 14q24.3.
Variant type: single nucleotide variant.
Coding change: c.2955T>C on transcript NM_001040108.2 (MANE Select); coding-DNA position 2955, T replaced by C.
Protein change: p.Asp985=; no amino-acid change (aspartic acid 985 retained).
Molecular consequence: synonymous variant.
Genome position (GRCh38, 1-based): chr14:75,046,701, A>G on the plus strand (T>C on the coding strand, the complement: MLH3 is on the minus strand). VCF-style: chr14-75046701-A-G. GRCh37 (hg19) VCF-style: chr14-75513404-A-G.
Other names: c.2955T>C, p.Asp985= (NM_014381.3).
Identifiers: ClinVar variation 4552077 (VCV004552077.2).